The following is an entry in ClinVar:

ClinVar aggregate classification (germline): Uncertain significance. Review status: criteria provided, multiple submitters, no conflicts (2 of 4 stars). 2 submissions from 2 submitters: Uncertain significance (2). Last evaluated 2024-07-30.

Conditions:
Capillary malformation-arteriovenous malformation syndrome. Also called: Capillary malformation-arteriovenous malformation. Identifiers: Orphanet 137667, MedGen C1842180, MONDO:0012016.
Capillary malformation-arteriovenous malformation 1 (CMAVM1). Identifiers: Orphanet 137667, Orphanet 693907, MedGen C4747394, MONDO:0020783, OMIM 608354.
Basal cell carcinoma, susceptibility to, 1. Also called: BCC1. Identifiers: MedGen C2751544, MONDO:0011556, OMIM 605462.

Submissions (2):

Labcorp Genetics (formerly Invitae), Labcorp
Classification: Uncertain significance for Capillary malformation-arteriovenous malformation syndrome. Last evaluated: 2024-07-30. Review status: criteria provided, single submitter. Criteria: Invitae Variant Classification Sherloc (09022015). Collection method: clinical testing. Allele origin: germline.
Comment: This sequence change replaces isoleucine, which is neutral and non-polar, with methionine, which is neutral and non-polar, at codon 401 of the RASA1 protein (p.Ile401Met). This variant is not present in population databases (gnomAD no frequency). This variant has not been reported in the literature in individuals affected with RASA1-related conditions. ClinVar contains an entry for this variant (Variation ID: 2086023). An algorithm developed to predict the effect of missense changes on protein structure and function (PolyPhen-2) suggests that this variant is likely to be disruptive. In summary, the available evidence is currently insufficient to determine the role of this variant in disease. Therefore, it has been classified as a Variant of Uncertain Significance.

Juno Genomics, Hangzhou Juno Genomics, Inc
Classification: Uncertain significance for Basal cell carcinoma, susceptibility to, 1; Capillary malformation-arteriovenous malformation 1. Review status: criteria provided, single submitter. Criteria: ACMG Guidelines, 2015. Collection method: clinical testing. Allele origin: germline.
Comment: Absent from controls (or at extremely low frequency if recessive) in Genome Aggregation Database.;Missense variant in a gene that has a low rate of benign missense variation.

NM_002890.3(RASA1):c.1203A>G (p.Ile401Met)

Genes: CCNH (cyclin H; minus strand), RASA1 (RAS p21 protein activator 1; plus strand). Cytogenetic location: 5q14.3.
Variant type: single nucleotide variant.
Coding change: c.1203A>G on transcript NM_002890.3 (MANE Select); coding-DNA position 1203, A replaced by G.
Protein change: p.Ile401Met; replaces isoleucine 401 with methionine.
Molecular consequence: missense variant. On other transcripts: intron variant (1).
Genome position (GRCh38, 1-based): chr5:87,349,314, A>G. VCF-style: chr5-87349314-A-G. GRCh37 (hg19) VCF-style: chr5-86645131-A-G.
Other names: c.672A>G, p.Ile224Met (NM_022650.3); c.934-36519T>C (NM_001364075.2); short protein forms I224M, I401M.
Identifiers: ClinVar variation 2086023 (VCV002086023.5), dbSNP rs2531256285, ClinGen allele CA360363943.
Genomic context (GRCh38, chr5:87,349,314, plus strand): 5'-TACTCCTGGCGATTATTCACTTTATTTCCGGACCAATGAAAATATTCAGCGATTTAAAAT[A>G]TGTCCAACGCCAAACAATCAGTTTATGATGGGAGGCCGGTATTATAACAGGTAAATCATA-3'
Protein context (NP_002881.1, residues 391-411): RTNENIQRFK[Ile401Met]CPTPNNQFMM